The following is an entry in ClinVar:

ClinVar aggregate classification (germline): Pathogenic/Likely pathogenic. Review status: criteria provided, multiple submitters, no conflicts (2 of 4 stars). 2 submissions from 2 submitters: Pathogenic (1); Likely pathogenic (1). Last evaluated 2025-07-29.

Conditions:
Hereditary hemochromatosis (HFE). Identifiers: MedGen C0392514, MONDO:0006507. Disease mechanism: loss of function.
Hemochromatosis type 1 (HFE1). Also called: HFE-Associated Hereditary Hemochromatosis; HFE-Related Hemochromatosis. Identifiers: Orphanet 465508, MedGen C3469186, MONDO:0021001, OMIM 235200. Disease mechanism: loss of function.

Allele frequency attached by ClinVar (database versions not stated): ExAC 0.00001; TOPMed 0.00001; gnomAD 0.00002; gnomAD exomes 0.00002; 1000 Genomes Project 30x 0.00016; 1000 Genomes Project 0.00020.
gnomAD v4.1: 26 of 1,614,020 alleles (0.0016%); highest among the groups gnomAD compares: Non-Finnish European, 0.0021%; 1 homozygote.

Submissions (2):

Labcorp Genetics (formerly Invitae), Labcorp
Classification: Pathogenic for Hereditary hemochromatosis. Last evaluated: 2025-07-29. Review status: criteria provided, single submitter. Criteria: Invitae Variant Classification Sherloc (09022015). Collection method: clinical testing. Allele origin: germline.
Comment: This sequence change replaces leucine, which is neutral and non-polar, with proline, which is neutral and non-polar, at codon 183 of the HFE protein (p.Leu183Pro). This variant is present in population databases (rs199916850, gnomAD 0.002%). This missense change has been observed in individual(s) with hereditary hemochromatosis (PMID: 18042412, 21228038). In at least one individual the data is consistent with being in trans (on the opposite chromosome) from a pathogenic variant. ClinVar contains an entry for this variant (Variation ID: 2152189). Invitae Evidence Modeling of protein sequence and biophysical properties (such as structural, functional, and spatial information, amino acid conservation, physicochemical variation, residue mobility, and thermodynamic stability) indicates that this missense variant is expected to disrupt HFE protein function with a positive predictive value of 80%. For these reasons, this variant has been classified as Pathogenic.

Fulgent Genetics
Classification: Likely pathogenic for Hemochromatosis type 1. Last evaluated: 2024-01-31. Review status: criteria provided, single submitter. Criteria: ACMG Guidelines, 2015. Collection method: clinical testing. Allele origin: germline.

Literature cited by the submitters: PubMed 18042412 (cited by Labcorp Genetics (formerly Invitae), Labcorp); PubMed 21228038 (cited by Labcorp Genetics (formerly Invitae), Labcorp).

NM_000410.4(HFE):c.548T>C (p.Leu183Pro)

Gene: HFE (homeostatic iron regulator; plus strand). Cytogenetic location: 6p22.2.
Variant type: single nucleotide variant.
Coding change: c.548T>C on transcript NM_000410.4 (MANE Select); coding-DNA position 548, T replaced by C.
Protein change: p.Leu183Pro; replaces leucine 183 with proline.
Molecular consequence: missense variant. On other transcripts: intron variant (4).
Genome position (GRCh38, 1-based): chr6:26,091,521, T>C. VCF-style: chr6-26091521-T-C. GRCh37 (hg19) VCF-style: chr6-26091749-T-C.
Other names: c.548T>C, p.Leu183Pro (NM_001300749.3, NM_001384164.1, NM_001406751.1 and 1 more transcripts); c.284T>C, p.Leu95Pro (NM_001406752.1, NM_139007.3, NM_139008.3); c.479T>C, p.Leu160Pro (NM_139009.3); c.340+417T>C (NM_139004.3, NM_139003.3); c.77-1164T>C (NM_139010.3); c.77-1598T>C (NM_139011.3); short protein forms L183P, L95P, L160P.
Identifiers: ClinVar variation 2152189 (VCV002152189.5), dbSNP rs199916850, ClinGen allele CA3666671.